The following is an entry in ClinVar:

NM_020937.4(FANCM):c.4913G>A (p.Ser1638Asn)

Gene: FANCM (FA complementation group M; plus strand). Cytogenetic location: 14q21.2.
Variant type: single nucleotide variant.
Coding change: c.4913G>A on transcript NM_020937.4 (MANE Select); coding-DNA position 4913, G replaced by A.
Protein change: p.Ser1638Asn; replaces serine 1638 with asparagine.
Molecular consequence: missense variant.
Genome position (GRCh38, 1-based): chr14:45,188,935, G>A. VCF-style: chr14-45188935-G-A. GRCh37 (hg19) VCF-style: chr14-45658138-G-A.
Other names: c.4835G>A, p.Ser1612Asn (NM_001308133.2); c.4913G>A (NM_020937.2); short protein forms S1612N, S1638N.
Identifiers: ClinVar variation 1056299 (VCV001056299.10), dbSNP rs776797107, ClinGen allele CA7169873.

ClinVar aggregate classification (germline): Uncertain significance. Review status: criteria provided, multiple submitters, no conflicts (2 of 4 stars). 2 submissions from 2 submitters: Uncertain significance (2). Last evaluated 2025-03-16.

Conditions:
Inborn genetic diseases. Identifiers: MedGen C0950123, MeSH D030342.
Fanconi anemia (FA). Also called: Fanconi's anemia. Identifiers: Orphanet 84, MedGen C0015625, MeSH D005199, MONDO:0019391.

Allele frequency attached by ClinVar (database versions not stated): TOPMed below 0.00001; gnomAD exomes 0.00001; ExAC 0.00002.
gnomAD v4.1: 7 of 1,613,892 alleles (0.00043%); highest among the groups gnomAD compares: East Asian, 0.016%; no homozygotes.

Submissions (2):

Ambry Genetics
Classification: Uncertain significance for Inborn genetic diseases. Last evaluated: 2025-03-16. Review status: criteria provided, single submitter. Criteria: Ambry Variant Classification Scheme 2023. Collection method: clinical testing. Allele origin: germline.
Comment: The p.S1638N variant (also known as c.4913G>A), located in coding exon 20 of the FANCM gene, results from a G to A substitution at nucleotide position 4913. The serine at codon 1638 is replaced by asparagine, an amino acid with highly similar properties. This amino acid position is conserved. In addition, this alteration is predicted to be tolerated by in silico analysis. Based on the available evidence, the clinical significance of this variant remains unclear.

Labcorp Genetics (formerly Invitae), Labcorp
Classification: Uncertain significance for Fanconi anemia. Last evaluated: 2022-11-22. Review status: criteria provided, single submitter. Criteria: Invitae Variant Classification Sherloc (09022015). Collection method: clinical testing. Allele origin: germline.
Comment: This variant is present in population databases (rs776797107, gnomAD 0.02%). In summary, the available evidence is currently insufficient to determine the role of this variant in disease. Therefore, it has been classified as a Variant of Uncertain Significance. Algorithms developed to predict the effect of missense changes on protein structure and function output the following: SIFT: "Tolerated"; PolyPhen-2: "Benign"; Align-GVGD: "Class C0". The asparagine amino acid residue is found in multiple mammalian species, which suggests that this missense change does not adversely affect protein function. ClinVar contains an entry for this variant (Variation ID: 1056299). This variant has not been reported in the literature in individuals affected with FANCM-related conditions. This sequence change replaces serine, which is neutral and polar, with asparagine, which is neutral and polar, at codon 1638 of the FANCM protein (p.Ser1638Asn).